The following is an entry in ClinVar:

ClinVar aggregate classification (germline): Uncertain significance. Review status: reviewed by expert panel (3 of 4 stars). 2 submissions from 2 submitters: Uncertain significance (1). 1 of the submissions does not count toward it. Last evaluated 2025-05-02.

Conditions:
Hereditary thrombocytopenia and hematologic cancer predisposition syndrome. Identifiers: Orphanet 71290, MedGen CN281654, MONDO:0011071.
Hereditary thrombocytopenia and hematological cancer predisposition syndrome associated with RUNX1. Also called: PLATELET DISORDER, ASPIRIN-LIKE; Familial Platelet Disorder with Propensity to Acute Myelogenous Leukemia; Familial thrombocytopenia with propensity to acute myelogenous leukemia; RUNX1 Familial Platelet Disorder with Associated Myeloid Malignancies. Identifiers: Orphanet 71290, MedGen C1832388, MeSH C563324, MONDO:0100083, OMIM 601399.

Submissions (2):

ClinGen Myeloid Malignancy Variant Curation Expert Panel
Classification: Uncertain significance for Hereditary thrombocytopenia and hematologic cancer predisposition syndrome. Last evaluated: 2025-05-02. Review status: reviewed by expert panel. Criteria: ClinGen MyeloMalig ACMG Specifications v2. Collection method: curation. Allele origin: germline. Inheritance: Autosomal dominant inheritance.
Comment: NM_001754.5(RUNX1):c.1090A>T (p.Ile364Phe) is a missense variant which is completely absent from all population databases with at least 20x coverage for RUNX1 (PM2_Supporting). In silico predictions do not support a clearly deleterious effect (SpliceAI score 0.0; REVEL score 0.7, which is below the 0.88 threshold for PP3). In summary, the clinical significance of this variant is uncertain. ACMG/AMP criteria applied, as specified by the Myeloid Malignancy Variant Curation Expert Panel for RUNX1: PM2_Supporting.

Labcorp Genetics (formerly Invitae), Labcorp
Classification: Uncertain significance for Hereditary thrombocytopenia and hematological cancer predisposition syndrome associated with RUNX1. Last evaluated: 2019-05-02. Review status: criteria provided, single submitter. Criteria: Invitae Variant Classification Sherloc (09022015). Collection method: clinical testing. Allele origin: germline. Not counted in ClinVar's aggregate classification.
Comment: This sequence change replaces isoleucine with phenylalanine at codon 364 of the RUNX1 protein (p.Ile364Phe). The isoleucine residue is moderately conserved and there is a small physicochemical difference between isoleucine and phenylalanine. This variant is not present in population databases (ExAC no frequency). This variant has not been reported in the literature in individuals with RUNX1-related conditions. Algorithms developed to predict the effect of missense changes on protein structure and function are either unavailable or do not agree on the potential impact of this missense change (SIFT: "Deleterious"; PolyPhen-2: "Possibly Damaging"; Align-GVGD: "Class C0"). In summary, the available evidence is currently insufficient to determine the role of this variant in disease. Therefore, it has been classified as a Variant of Uncertain Significance.

NM_001754.5(RUNX1):c.1090A>T (p.Ile364Phe)

Gene: RUNX1 (RUNX family transcription factor 1; minus strand). Cytogenetic location: 21q22.12.
Variant type: single nucleotide variant.
Coding change: c.1090A>T on transcript NM_001754.5 (MANE Select); coding-DNA position 1090, A replaced by T.
Protein change: p.Ile364Phe; replaces isoleucine 364 with phenylalanine.
Molecular consequence: missense variant.
Genome position (GRCh38, 1-based): chr21:34,792,488, T>A on the plus strand (A>T on the coding strand, the complement: RUNX1 is on the minus strand). VCF-style: chr21-34792488-T-A. GRCh37 (hg19) VCF-style: chr21-36164785-T-A.
Other names: NM_001754.5(RUNX1):c.1090A>T; p.Ile364Phe; c.1009A>T, p.Ile337Phe (NM_001001890.3); short protein forms I364F, I337F.
Identifiers: ClinVar variation 948047 (VCV000948047.11), dbSNP rs2056458260, ClinGen allele CA410148169.